The following is an entry in ClinVar:

ClinVar aggregate classification (germline): Likely benign (1 of 4 stars; one submission).

Allele frequency attached by ClinVar (database versions not stated): TOPMed 0.00002; gnomAD 0.00003; gnomAD exomes 0.00004; ExAC 0.00005; ESP Exome Variant Server 0.00009.
gnomAD v4.1: 50 of 1,203,220 alleles (0.0042%); highest among the groups gnomAD compares: South Asian, 0.016%; no homozygotes.

Submission:

CeGaT Center for Human Genetics Tuebingen
Classification: Likely benign. Last evaluated: 2023-10-01. Review status: criteria provided, single submitter. Criteria: CeGaT Center For Human Genetics Tuebingen Variant Classification Criteria Version 2. Collection method: clinical testing. Allele origin: germline. Affected: yes. Observed: 1 variant allele.
Comment: ZRSR2: BP4, BP7

NM_005089.4(ZRSR2):c.418C>T (p.Leu140=)

Gene: ZRSR2 (zinc finger CCCH-type, RNA binding motif and serine/arginine rich 2; plus strand). Cytogenetic location: Xp22.2.
Variant type: single nucleotide variant.
Coding change: c.418C>T on transcript NM_005089.4 (MANE Select); coding-DNA position 418, C replaced by T.
Protein change: p.Leu140=; no amino-acid change (leucine 140 retained).
Molecular consequence: synonymous variant.
Genome position (GRCh38, 1-based): chrX:15,808,251, C>T. VCF-style: chrX-15808251-C-T. GRCh37 (hg19) VCF-style: chrX-15826374-C-T.
Identifiers: ClinVar variation 2660059 (VCV002660059.24), dbSNP rs371747311, ClinGen allele CA10356193.